The following is an entry in ClinVar:

ClinVar aggregate classification (germline): Likely benign (1 of 4 stars; one submission).

gnomAD v4.1: 59 of 1,541,990 alleles (0.0038%); highest among the groups gnomAD compares: Admixed American, 0.024%; no homozygotes.

Submission:

CeGaT Center for Human Genetics Tuebingen
Classification: Likely benign. Last evaluated: 2025-09-01. Review status: criteria provided, single submitter. Criteria: CeGaT Center For Human Genetics Tuebingen Variant Classification Criteria Version 2. Collection method: clinical testing. Allele origin: germline. Affected: yes. Observed: 1 variant allele.
Comment: TRPM5: BP4, BP7

NM_014555.4(TRPM5):c.1728C>T (p.Tyr576=)

Gene: TRPM5 (transient receptor potential cation channel subfamily M member 5; minus strand). Cytogenetic location: 11p15.5.
Variant type: single nucleotide variant.
Coding change: c.1728C>T on transcript NM_014555.4 (MANE Select); coding-DNA position 1728, C replaced by T.
Protein change: p.Tyr576=; no amino-acid change (tyrosine 576 retained).
Molecular consequence: synonymous variant.
Genome position (GRCh38, 1-based): chr11:2,414,731, G>A on the plus strand (C>T on the coding strand, the complement: TRPM5 is on the minus strand). VCF-style: chr11-2414731-G-A. GRCh37 (hg19) VCF-style: chr11-2435961-G-A.
Identifiers: ClinVar variation 4534633 (VCV004534633.6).